The following is an entry in ClinVar:

NM_019058.4(DDIT4):c.4C>T (p.Pro2Ser)

Genes: DDIT4 (DNA damage inducible transcript 4; plus strand), LOC130004050 (ATAC-STARR-seq lymphoblastoid active region 3536; plus strand). Cytogenetic location: 10q22.1.
Variant type: single nucleotide variant.
Coding change: c.4C>T on transcript NM_019058.4 (MANE Select); coding-DNA position 4, C replaced by T.
Protein change: p.Pro2Ser; replaces proline 2 with serine.
Molecular consequence: missense variant.
Genome position (GRCh38, 1-based): chr10:72,274,220, C>T. VCF-style: chr10-72274220-C-T. GRCh37 (hg19) VCF-style: chr10-74033978-C-T.
Other names: short protein forms P2S.
Identifiers: ClinVar variation 4996452 (VCV004996452.1).

ClinVar aggregate classification (germline): Uncertain significance (1 of 4 stars; one submission).

Conditions:
DDIT4-related condition.

Submission:

PreventionGenetics, part of Exact Sciences
Classification: Uncertain significance for DDIT4-related condition. Last evaluated: 2026-01-25. Review status: criteria provided, single submitter. Criteria: ACMG Guidelines, 2015. Collection method: clinical testing. Allele origin: germline.
Comment: The DDIT4 c.4C>T variant is predicted to result in the amino acid substitution p.Pro2Ser. To our knowledge, this variant has not been reported in the literature or in a large population database (gnomAD), indicating this variant is rare. At this time, the clinical significance of this variant is uncertain due to the absence of conclusive functional and genetic evidence.